The following is an entry in ClinVar:

ClinVar aggregate classification (germline): Pathogenic (1 of 4 stars; one submission).

Submission:

Labcorp Genetics (formerly Invitae), Labcorp
Classification: Pathogenic. Last evaluated: 2023-05-16. Review status: criteria provided, single submitter. Criteria: Invitae Variant Classification Sherloc (09022015). Collection method: clinical testing. Allele origin: germline.
Comment: For these reasons, this variant has been classified as Pathogenic. This variant has not been reported in the literature in individuals affected with AHDC1-related conditions. This variant is not present in population databases (gnomAD no frequency). This sequence change creates a premature translational stop signal (p.Cys632Alafs*100) in the AHDC1 gene. It is expected to result in an absent or disrupted protein product. Loss-of-function variants in AHDC1 are known to be pathogenic (PMID: 24791903, 27148574).

Literature cited by the submitters: PubMed 24791903; PubMed 27148574.

NM_001371928.1(AHDC1):c.1893del (p.Cys632fs)

Gene: AHDC1 (AT-hook DNA binding motif containing 1; minus strand). Cytogenetic location: 1p36.11.
Variant type: Deletion.
Coding change: c.1893del on transcript NM_001371928.1 (MANE Select); coding-DNA position 1893, one base deleted (G; older notation c.1893delG).
Protein change: p.Cys632fs; shifts the reading frame from cysteine 632.
Molecular consequence: frameshift variant.
Genome position (GRCh38, 1-based): chr1:27,550,223, C deleted on the plus strand (G on the coding strand, the reverse complement: AHDC1 is on the minus strand); the first of 2 consecutive C bases (chr1:27,550,223-27,550,224); deleting either gives the same sequence. VCF-style (leftmost placement, unchanged base first): chr1-27550222-AC-A. GRCh37 (hg19) VCF-style: chr1-27876733-AC-A.
Other names: c.1893del, p.Cys632fs (NM_001029882.3); short protein forms C632fs.
Identifiers: ClinVar variation 2864999 (VCV002864999.3), dbSNP rs2521980845, ClinGen allele CA2739272427.